The following is an entry in ClinVar:

ClinVar aggregate classification (germline): Pathogenic (1 of 4 stars; one submission).

Conditions:
X-linked Alport syndrome (ATS1). Also called: NEPHROPATHY AND DEAFNESS, X-LINKED; COL4A5-Related Nephropathy. Identifiers: Orphanet 63, Orphanet 88917, MedGen C4746986, MONDO:0010520, OMIM 301050.

Submission:

Myriad Genetics, Inc.
Classification: Pathogenic for X-linked Alport syndrome. Last evaluated: 2023-09-27. Review status: criteria provided, single submitter. Criteria: Myriad Autosomal Dominant, Autosomal Recessive and X-Linked Classification Criteria (2023). Collection method: clinical testing. Allele origin: unknown.
Comment: NM_000495.4(COL4A5):c.2709dupT(P904Sfs*19) is expected to be pathogenic in the context of X-linked Alport syndrome. This variant is predicted to lead to an abnormal or absent protein product due to the creation of a premature termination codon in COL4A5, a gene where loss-of-function variants are known to be pathogenic. Please note: this variant was assessed in the context of healthy population screening.

NM_033380.3(COL4A5):c.2709dup (p.Pro904fs)

Gene: COL4A5 (collagen type IV alpha 5 chain; plus strand). Cytogenetic location: Xq22.3.
Variant type: Duplication.
Coding change: c.2709dup on transcript NM_033380.3 (MANE Select); coding-DNA position 2709, one base duplicated (T; older notation c.2709dupT).
Protein change: p.Pro904fs; shifts the reading frame from proline 904.
Molecular consequence: frameshift variant.
Genome position (GRCh38, 1-based): chrX:108,621,834, T duplicated. VCF-style (leftmost placement, unchanged base first): chrX-108621833-C-CT. GRCh37 (hg19) VCF-style: chrX-107865063-C-CT.
Other names: c.2709dup, p.Pro904fs (NM_000495.5); short protein forms P904fs.
Identifiers: ClinVar variation 5012060 (VCV005012060.1).